The following is an entry in ClinVar:

NM_000245.4(MET):c.2843T>C (p.Leu948Pro)

Gene: MET (MET proto-oncogene, receptor tyrosine kinase; plus strand). Cytogenetic location: 7q31.2.
Variant type: single nucleotide variant.
Coding change: c.2843T>C on transcript NM_000245.4 (MANE Select); coding-DNA position 2843, T replaced by C.
Protein change: p.Leu948Pro; replaces leucine 948 with proline.
Molecular consequence: missense variant.
Genome position (GRCh38, 1-based): chr7:116,771,610, T>C. VCF-style: chr7-116771610-T-C. GRCh37 (hg19) VCF-style: chr7-116411664-T-C.
Other names: c.2897T>C, p.Leu966Pro (NM_001127500.3); c.1553T>C, p.Leu518Pro (NM_001324402.2); c.2843T>C (NM_000245.2); short protein forms L966P, L948P, L518P.
Identifiers: ClinVar variation 1423191 (VCV001423191.9), dbSNP rs2116992766, ClinGen allele CA368986657.

ClinVar aggregate classification (germline): Uncertain significance. Review status: criteria provided, multiple submitters, no conflicts (2 of 4 stars). 2 submissions from 2 submitters: Uncertain significance (2). Last evaluated 2026-07-02.

Conditions:
Hereditary cancer-predisposing syndrome. Also called: Hereditary Cancer Syndrome; Neoplastic Syndromes, Hereditary; Hereditary neoplastic syndrome; Tumor predisposition. Identifiers: Orphanet 140162, MedGen C0027672, MeSH D009386, MONDO:0015356.
Renal cell carcinoma. Identifiers: Orphanet 217071, MedGen C0007134, MeSH D002292, MONDO:0005086, HP:0005584.

Submissions (2):

Ambry Genetics
Classification: Uncertain significance for Hereditary cancer-predisposing syndrome. Last evaluated: 2026-07-02. Review status: criteria provided, single submitter. Criteria: Ambry Variant Classification Scheme 2023. Collection method: clinical testing. Allele origin: germline.
Comment: The p.L948P variant (also known as c.2843T>C), located in coding exon 12 of the MET gene, results from a T to C substitution at nucleotide position 2843. The leucine at codon 948 is replaced by proline, an amino acid with similar properties. This amino acid position is conserved. In addition, the in silico prediction for this alteration is inconclusive. Based on the available evidence, the clinical significance of this variant remains unclear.

Labcorp Genetics (formerly Invitae), Labcorp
Classification: Uncertain significance for Renal cell carcinoma. Last evaluated: 2021-06-18. Review status: criteria provided, single submitter. Criteria: Invitae Variant Classification Sherloc (09022015). Collection method: clinical testing. Allele origin: germline.
Comment: In summary, the available evidence is currently insufficient to determine the role of this variant in disease. Therefore, it has been classified as a Variant of Uncertain Significance. Algorithms developed to predict the effect of missense changes on protein structure and function are either unavailable or do not agree on the potential impact of this missense change (SIFT: "Deleterious"; PolyPhen-2: "Possibly Damaging"; Align-GVGD: "Class C0"). This variant has not been reported in the literature in individuals with MET-related conditions. This variant is not present in population databases (ExAC no frequency). This sequence change replaces leucine with proline at codon 966 of the MET protein (p.Leu966Pro). The leucine residue is moderately conserved and there is a moderate physicochemical difference between leucine and proline.